The following is an entry in ClinVar:

ClinVar aggregate classification (germline): Conflicting classifications of pathogenicity. Review status: criteria provided, conflicting classifications (1 of 4 stars). 3 submissions from 3 submitters: Uncertain significance (2); Likely benign (1). Last evaluated 2022-11-21.

Conditions:
Brugada syndrome. Also called: Sudden unexpected nocturnal death syndrome; Sudden Unexplained Death Syndrome; Sudden Unexplained Nocturnal Death Syndrome (SUNDS); Sudden unexplained nocturnal death syndrome. Identifiers: Orphanet 130, MedGen C1142166, MONDO:0015263.
Cardiovascular phenotype. Identifiers: MedGen CN230736.

Allele frequency attached by ClinVar (database versions not stated): gnomAD 0.00001; TOPMed 0.00003; gnomAD exomes 0.00004; ExAC 0.00007; ESP Exome Variant Server 0.00008.
gnomAD v4.1: 95 of 1,613,950 alleles (0.0059%); highest among the groups gnomAD compares: Non-Finnish European, 0.0078%; no homozygotes.

Submissions (3):

Ambry Genetics
Classification: Likely benign for Cardiovascular phenotype. Last evaluated: 2022-11-21. Review status: criteria provided, single submitter. Criteria: Ambry Variant Classification Scheme 2023. Collection method: clinical testing. Allele origin: germline.

Labcorp Genetics (formerly Invitae), Labcorp
Classification: Uncertain significance for Brugada syndrome. Last evaluated: 2022-07-29. Review status: criteria provided, single submitter. Criteria: Invitae Variant Classification Sherloc (09022015). Collection method: clinical testing. Allele origin: germline.
Comment: In summary, the available evidence is currently insufficient to determine the role of this variant in disease. Therefore, it has been classified as a Variant of Uncertain Significance. Algorithms developed to predict the effect of missense changes on protein structure and function are either unavailable or do not agree on the potential impact of this missense change (SIFT: "Deleterious"; PolyPhen-2: "Probably Damaging"; Align-GVGD: "Class C0"). ClinVar contains an entry for this variant (Variation ID: 1217744). This sequence change replaces aspartic acid, which is acidic and polar, with alanine, which is neutral and non-polar, at codon 1769 of the SCN10A protein (p.Asp1769Ala). This variant is present in population databases (rs377121469, gnomAD 0.009%). This variant has not been reported in the literature in individuals affected with SCN10A-related conditions.

GeneDx
Classification: Uncertain significance. Last evaluated: 2019-04-01. Review status: criteria provided, single submitter. Criteria: GeneDx Variant Classification Process June 2021. Collection method: clinical testing. Allele origin: germline. Affected: yes.
Comment: Has not been previously published as pathogenic or benign to our knowledge; In silico analysis, which includes protein predictors and evolutionary conservation, supports a deleterious effect

NM_006514.4(SCN10A):c.5306A>C (p.Asp1769Ala)

Gene: SCN10A (sodium voltage-gated channel alpha subunit 10; minus strand). Cytogenetic location: 3p22.2.
Variant type: single nucleotide variant.
Coding change: c.5306A>C on transcript NM_006514.4 (MANE Select); coding-DNA position 5306, A replaced by C.
Protein change: p.Asp1769Ala; replaces aspartic acid 1769 with alanine.
Molecular consequence: missense variant.
Genome position (GRCh38, 1-based): chr3:38,697,914, T>G on the plus strand (A>C on the coding strand, the complement: SCN10A is on the minus strand). VCF-style: chr3-38697914-T-G. GRCh37 (hg19) VCF-style: chr3-38739405-T-G.
Other names: c.5303A>C, p.Asp1768Ala (NM_001293306.2); c.5012A>C, p.Asp1671Ala (NM_001293307.2); short protein forms D1671A, D1768A, D1769A.
Identifiers: ClinVar variation 1217744 (VCV001217744.9), dbSNP rs377121469, ClinGen allele CA2319700.